The following is an entry in ClinVar:

NM_000540.3(RYR1):c.5309C>A (p.Ser1770Ter)

Gene: RYR1 (ryanodine receptor 1; plus strand). Cytogenetic location: 19q13.2.
Variant type: single nucleotide variant.
Coding change: c.5309C>A on transcript NM_000540.3 (MANE Select); coding-DNA position 5309, C replaced by A.
Protein change: p.Ser1770Ter; replaces serine 1770 with a stop codon.
Molecular consequence: nonsense.
Genome position (GRCh38, 1-based): chr19:38,485,964, C>A. VCF-style: chr19-38485964-C-A. GRCh37 (hg19) VCF-style: chr19-38976604-C-A.
Other names: c.5309C>A, p.Ser1770Ter (NM_001042723.2); short protein forms S1770*.
Identifiers: ClinVar variation 429732 (VCV000429732.5), dbSNP rs398123472, ClinGen allele CA405654594.

ClinVar aggregate classification (germline): Pathogenic/Likely pathogenic. Review status: criteria provided, multiple submitters, no conflicts (2 of 4 stars). 2 submissions from 2 submitters: Pathogenic (1); Likely pathogenic (1). Last evaluated 2023-09-11.

Conditions:
RYR1-related disorder. Also called: RYR1-related condition; RYR1-related disorders. Identifiers: MedGen CN239331.

Submissions (2):

Labcorp Genetics (formerly Invitae), Labcorp
Classification: Pathogenic for RYR1-related disorder. Last evaluated: 2023-09-11. Review status: criteria provided, single submitter. Criteria: Invitae Variant Classification Sherloc (09022015). Collection method: clinical testing. Allele origin: germline.
Comment: This variant has not been reported in the literature in individuals affected with RYR1-related conditions. This sequence change creates a premature translational stop signal (p.Ser1770*) in the RYR1 gene. It is expected to result in an absent or disrupted protein product. Loss-of-function variants in RYR1 are known to be pathogenic (PMID: 23919265, 25960145, 28818389, 30611313). The frequency data for this variant in the population databases is considered unreliable, as metrics indicate poor data quality at this position in the gnomAD database. ClinVar contains an entry for this variant (Variation ID: 429732). For these reasons, this variant has been classified as Pathogenic.

GeneDx
Classification: Likely pathogenic. Last evaluated: 2017-05-15. Review status: criteria provided, single submitter. Criteria: GeneDx Variant Classification (06012015). Collection method: clinical testing. Allele origin: germline. Affected: yes.
Comment: The S1770X variant in the RYR1 gene has not been reported previously as a pathogenic variant nor as a benign variant, to our knowledge. This variant is predicted to cause loss of normal protein function either through protein truncation or nonsense-mediated mRNA decay. The S1770X variant is not observed in large population cohorts (Lek et al., 2016; 1000 Genomes Consortium et al., 2015; Exome Variant Server). Therefore, we interpret S1770X as a likely pathogenic variant.

Literature cited by the submitters: PubMed 23919265 (cited by Labcorp Genetics (formerly Invitae), Labcorp); PubMed 25960145 (cited by Labcorp Genetics (formerly Invitae), Labcorp); PubMed 28818389 (cited by Labcorp Genetics (formerly Invitae), Labcorp); PubMed 30611313 (cited by Labcorp Genetics (formerly Invitae), Labcorp).